The following is an entry in ClinVar:

NC_000007.13:g.(?_75958894)_(75959570_?)del

Gene: YWHAG (tyrosine 3-monooxygenase/tryptophan 5-monooxygenase activation protein gamma; minus strand). Cytogenetic location: 7q11.23.
Variant type: Deletion.
Identifiers: ClinVar variation 2425824 (VCV002425824.3).

ClinVar aggregate classification (germline): Uncertain significance (1 of 4 stars; one submission).

Submission:

Labcorp Genetics (formerly Invitae), Labcorp
Classification: Uncertain significance. Last evaluated: 2022-05-03. Review status: criteria provided, single submitter. Criteria: Invitae Variant Classification Sherloc (09022015). Collection method: clinical testing. Allele origin: germline.
Comment: This variant is a gross deletion of the genomic region encompassing exon(s) 2 of the YWHAG gene, which includes the termination codon. This deletion extends beyond the assayed region for this gene and therefore may encompass additional genes. While this deletion is not anticipated to lead to nonsense mediated decay, it is expected to alter mRNA translation or result in a truncated protein product. This variant has not been reported in the literature in individuals affected with YWHAG-related conditions. Experimental studies and prediction algorithms are not available or were not evaluated, and the functional significance of this variant is currently unknown. In summary, the available evidence is currently insufficient to determine the role of this variant in disease. Therefore, it has been classified as a Variant of Uncertain Significance.